The following is an entry in ClinVar:

NM_015909.4(NBAS):c.169C>T (p.Arg57Ter)

Gene: NBAS (NBAS subunit of NRZ tethering complex; minus strand). Cytogenetic location: 2p24.3.
Variant type: single nucleotide variant.
Coding change: c.169C>T on transcript NM_015909.4 (MANE Select); coding-DNA position 169, C replaced by T.
Protein change: p.Arg57Ter; replaces arginine 57 with a stop codon.
Molecular consequence: nonsense. On other transcripts: non-coding transcript variant (1).
Genome position (GRCh38, 1-based): chr2:15,558,583, G>A on the plus strand (C>T on the coding strand, the complement: NBAS is on the minus strand). VCF-style: chr2-15558583-G-A. GRCh37 (hg19) VCF-style: chr2-15698707-G-A.
Other names: short protein forms R57*.
Identifiers: ClinVar variation 1448431 (VCV001448431.8), dbSNP rs1339816196, ClinGen allele CA345894484.
Genomic context (GRCh38, chr2:15,558,583, plus strand): 5'-AGAACACATTTTAACTGTTAACCATATCATTACTGTAGAGAAATAAGCTATATTTACCTC[G>A]AATTGCTTTCGTGATGATAAAGGATGCACCATGTTTTTGGTTGCCTCTAGGCTGGAATTT-3'

ClinVar aggregate classification (germline): Pathogenic/Likely pathogenic. Review status: criteria provided, multiple submitters, no conflicts (2 of 4 stars). 3 submissions from 3 submitters: Pathogenic (1); Likely pathogenic (2). Last evaluated 2025-04-11.

Conditions:
Short stature-optic atrophy-Pelger-Huët anomaly syndrome. Also called: Short stature, optic nerve atrophy, and Pelger-Huet anomaly; Short stature-optic atrophy-Pelger-HuC+t anomaly syndrome. Identifiers: Orphanet 391677, MedGen C3541319, MONDO:0013889, OMIM 614800.
Infantile liver failure syndrome 2 (ILFS2). Identifiers: MedGen C3809651, MONDO:0014659, OMIM 616483.
NBAS-related disorder. Also called: NBAS-related condition.

Allele frequency attached by ClinVar (database versions not stated): gnomAD 0.00001; gnomAD exomes 0.00001.
gnomAD v4.1: 10 of 1,611,966 alleles (0.00062%); highest among the groups gnomAD compares: East Asian, 0.0045%; no homozygotes.

Submissions (3):

Labcorp Genetics (formerly Invitae), Labcorp
Classification: Pathogenic. Last evaluated: 2025-04-11. Review status: criteria provided, single submitter. Criteria: Invitae Variant Classification Sherloc (09022015). Collection method: clinical testing. Allele origin: germline.
Comment: This sequence change creates a premature translational stop signal (p.Arg57*) in the NBAS gene. It is expected to result in an absent or disrupted protein product. Loss-of-function variants in NBAS are known to be pathogenic (PMID: 26073778, 26541327, 27789416, 28031453). The frequency data for this variant in the population databases is considered unreliable, as metrics indicate poor data quality at this position in the gnomAD database. This variant has not been reported in the literature in individuals affected with NBAS-related conditions. ClinVar contains an entry for this variant (Variation ID: 1448431). For these reasons, this variant has been classified as Pathogenic.

Fulgent Genetics
Classification: Likely pathogenic for Short stature-optic atrophy-Pelger-Huët anomaly syndrome; Infantile liver failure syndrome 2. Last evaluated: 2024-04-25. Review status: criteria provided, single submitter. Criteria: ACMG Guidelines, 2015. Collection method: clinical testing. Allele origin: germline.

Blueprint Genetics
Classification: Likely pathogenic for NBAS-related disorders. Last evaluated: 2022-09-07. Review status: criteria provided, single submitter. Criteria: ACMG Guidelines, 2015. Collection method: clinical testing. Allele origin: germline. Affected: yes. Observed: 1 variant allele.

Literature cited by the submitters: PubMed 26073778 (cited by Labcorp Genetics (formerly Invitae), Labcorp); PubMed 26541327 (cited by Labcorp Genetics (formerly Invitae), Labcorp); PubMed 27789416 (cited by Labcorp Genetics (formerly Invitae), Labcorp); PubMed 28031453 (cited by Labcorp Genetics (formerly Invitae), Labcorp).